The following is an entry in ClinVar:

NM_020822.3(KCNT1):c.3281C>T (p.Thr1094Met)

Gene: KCNT1 (potassium sodium-activated channel subfamily T member 1; plus strand). Cytogenetic location: 9q34.3.
Variant type: single nucleotide variant.
Coding change: c.3281C>T on transcript NM_020822.3 (MANE Select); coding-DNA position 3281, C replaced by T.
Protein change: p.Thr1094Met; replaces threonine 1094 with methionine.
Molecular consequence: missense variant.
Genome position (GRCh38, 1-based): chr9:135,786,300, C>T. VCF-style: chr9-135786300-C-T. GRCh37 (hg19) VCF-style: chr9-138678146-C-T.
Other names: c.3146C>T, p.Thr1049Met (NM_001272003.2); short protein forms T1094M, T1049M.
Identifiers: ClinVar variation 473384 (VCV000473384.54), dbSNP rs373041291, ClinGen allele CA5327766.

ClinVar aggregate classification (germline): Conflicting classifications of pathogenicity. Review status: criteria provided, conflicting classifications (1 of 4 stars). 5 submissions from 5 submitters: Uncertain significance (2); Likely benign (3). Last evaluated 2026-01-11.

Conditions:
Inborn genetic diseases. Identifiers: MedGen C0950123, MeSH D030342.
Autosomal dominant nocturnal frontal lobe epilepsy 5. Also called: KCNT1-Related Epilepsy; CILIARY DYSKINESIA, PRIMARY, 28, WITHOUT SITUS INVERSUS; CILIARY DYSKINESIA, PRIMARY, 28, WITH SITUS INVERSUS; Epilepsy, nocturnal frontal lobe, 5. Identifiers: Orphanet 98784, MedGen C3554306, MONDO:0014002, OMIM 615005.
Developmental and epileptic encephalopathy, 14 (DEE14). Also called: Early infantile epileptic encephalopathy 14. Identifiers: Orphanet 293181, MedGen C3554195, MONDO:0013989, OMIM 614959.

Allele frequency attached by ClinVar (database versions not stated): ExAC 0.00004; gnomAD 0.00006; gnomAD exomes 0.00006; ESP Exome Variant Server 0.00009; TOPMed 0.00016; 1000 Genomes Project 30x 0.00031.
gnomAD v4.1: 79 of 1,604,062 alleles (0.0049%); highest among the groups gnomAD compares: African/African-American, 0.035%; no homozygotes.

Submissions (5):

Labcorp Genetics (formerly Invitae), Labcorp
Classification: Likely benign for Autosomal dominant nocturnal frontal lobe epilepsy 5; Developmental and epileptic encephalopathy, 14. Last evaluated: 2026-01-11. Review status: criteria provided, single submitter. Criteria: Invitae Variant Classification Sherloc (09022015). Collection method: clinical testing. Allele origin: germline.

CeGaT Center for Human Genetics Tuebingen
Classification: Likely benign. Last evaluated: 2023-09-01. Review status: criteria provided, single submitter. Criteria: CeGaT Center For Human Genetics Tuebingen Variant Classification Criteria Version 2. Collection method: clinical testing. Allele origin: germline. Affected: yes. Observed: 2 variant alleles.
Comment: KCNT1: BP4, BS1

GeneDx
Classification: Likely benign. Last evaluated: 2018-01-12. Review status: criteria provided, single submitter. Criteria: GeneDx Variant Classification (06012015). Collection method: clinical testing. Allele origin: germline. Affected: yes.
Comment: This variant is considered likely benign or benign based on one or more of the following criteria: it is a conservative change, it occurs at a poorly conserved position in the protein, it is predicted to be benign by multiple in silico algorithms, and/or has population frequency not consistent with disease.

Ambry Genetics
Classification: Uncertain significance for Inborn genetic diseases. Last evaluated: 2017-06-22. Review status: criteria provided, single submitter. Criteria: Ambry Variant Classification Scheme 2023. Collection method: clinical testing. Allele origin: germline.
Comment: The p.T1094M variant (also known as c.3281C>T), located in coding exon 29 of the KCNT1 gene, results from a C to T substitution at nucleotide position 3281. The threonine at codon 1094 is replaced by methionine, an amino acid with similar properties. This amino acid position is poorly conserved in available vertebrate species. In addition, this alteration is predicted to be tolerated by in silico analysis. Since supporting evidence is limited at this time, the clinical significance of this alteration remains unclear.

Eurofins Ntd Llc (ga)
Classification: Uncertain significance. Last evaluated: 2017-01-16. Review status: criteria provided, single submitter. Criteria: EGL Classification Definitions 2015. Collection method: clinical testing. Allele origin: germline. Observed: 1 variant allele, 1 heterozygote.